The following is an entry in ClinVar:

NM_002476.2(MYL4):c.481A>T (p.Thr161Ser)

Gene: MYL4 (myosin light chain 4; plus strand). Cytogenetic location: 17q21.32.
Variant type: single nucleotide variant.
Coding change: c.481A>T on transcript NM_002476.2 (MANE Select); coding-DNA position 481, A replaced by T.
Protein change: p.Thr161Ser; replaces threonine 161 with serine.
Molecular consequence: missense variant.
Genome position (GRCh38, 1-based): chr17:47,221,849, A>T. VCF-style: chr17-47221849-A-T. GRCh37 (hg19) VCF-style: chr17-45299215-A-T.
Other names: c.481A>T, p.Thr161Ser (NM_001002841.2); short protein forms T161S.
Identifiers: ClinVar variation 2706232 (VCV002706232.3), dbSNP rs2547599839, ClinGen allele CA400022740.

ClinVar aggregate classification (germline): Uncertain significance (1 of 4 stars; one submission).

Conditions:
Atrial fibrillation, familial, 18 (ATFB18). Identifiers: MedGen C4310636, MONDO:0015001, OMIM 617280.

Submission:

Labcorp Genetics (formerly Invitae), Labcorp
Classification: Uncertain significance for Atrial fibrillation, familial, 18. Last evaluated: 2024-01-04. Review status: criteria provided, single submitter. Criteria: Invitae Variant Classification Sherloc (09022015). Collection method: clinical testing. Allele origin: germline.
Comment: This sequence change replaces threonine, which is neutral and polar, with serine, which is neutral and polar, at codon 161 of the MYL4 protein (p.Thr161Ser). This variant is not present in population databases (gnomAD no frequency). This variant has not been reported in the literature in individuals affected with MYL4-related conditions. An algorithm developed to predict the effect of missense changes on protein structure and function (PolyPhen-2) suggests that this variant is likely to be tolerated. In summary, the available evidence is currently insufficient to determine the role of this variant in disease. Therefore, it has been classified as a Variant of Uncertain Significance.